The following is an entry in ClinVar:

ClinVar aggregate classification (germline): Uncertain significance (1 of 4 stars; one submission).

gnomAD v4.1: 20 of 1,614,102 alleles (0.0012%); highest among the groups gnomAD compares: Non-Finnish European, 0.0016%; no homozygotes.

Submission:

Labcorp Genetics (formerly Invitae), Labcorp
Classification: Uncertain significance. Last evaluated: 2025-06-01. Review status: criteria provided, single submitter. Criteria: Invitae Variant Classification Sherloc (09022015). Collection method: clinical testing. Allele origin: germline.
Comment: This sequence change replaces tyrosine, which is neutral and polar, with phenylalanine, which is neutral and non-polar, at codon 151 of the ACOX2 protein (p.Tyr151Phe). This variant is present in population databases (rs373471922, gnomAD 0.003%). This variant has not been reported in the literature in individuals affected with ACOX2-related conditions. Invitae Evidence Modeling of protein sequence and biophysical properties (such as structural, functional, and spatial information, amino acid conservation, physicochemical variation, residue mobility, and thermodynamic stability) indicates that this missense variant is not expected to disrupt ACOX2 protein function with a negative predictive value of 80%. In summary, the available evidence is currently insufficient to determine the role of this variant in disease. Therefore, it has been classified as a Variant of Uncertain Significance.

NM_003500.4(ACOX2):c.452A>T (p.Tyr151Phe)

Gene: ACOX2 (acyl-CoA oxidase 2; minus strand). Cytogenetic location: 3p14.3.
Variant type: single nucleotide variant.
Coding change: c.452A>T on transcript NM_003500.4 (MANE Select); coding-DNA position 452, A replaced by T.
Protein change: p.Tyr151Phe; replaces tyrosine 151 with phenylalanine.
Molecular consequence: missense variant.
Genome position (GRCh38, 1-based): chr3:58,534,017, T>A on the plus strand (A>T on the coding strand, the complement: ACOX2 is on the minus strand). VCF-style: chr3-58534017-T-A. GRCh37 (hg19) VCF-style: chr3-58519744-T-A.
Other names: short protein forms Y151F.
Identifiers: ClinVar variation 4707171 (VCV004707171.1).